The following is an entry in ClinVar:

NM_000059.4(BRCA2):c.3296C>G (p.Ser1099Ter)

Gene: BRCA2 (BRCA2 DNA repair associated; plus strand). Cytogenetic location: 13q13.1.
Variant type: single nucleotide variant.
Coding change: c.3296C>G on transcript NM_000059.4 (MANE Select); coding-DNA position 3296, C replaced by G.
Protein change: p.Ser1099Ter; replaces serine 1099 with a stop codon.
Molecular consequence: nonsense.
Genome position (GRCh38, 1-based): chr13:32,337,651, C>G. VCF-style: chr13-32337651-C-G. GRCh37 (hg19) VCF-style: chr13-32911788-C-G.
Other names: short protein forms S1099*.
Identifiers: ClinVar variation 51446 (VCV000051446.26), dbSNP rs397507663, ClinGen allele CA017733.
Genomic context (GRCh38, chr13:32,337,651, plus strand): 5'-CTGATTGTAAAAATAGTCATATAACCCCTCAGATGTTATTTTCCAAGCAGGATTTTAATT[C>G]AAACCATAATTTAACACCTAGCCAAAAGGCAGAAATTACAGAACTTTCTACTATATTAGA-3'

ClinVar aggregate classification (germline): Pathogenic. Review status: reviewed by expert panel (3 of 4 stars). 5 submissions from 5 submitters: Pathogenic (1). 4 of the submissions do not count toward it. Last evaluated 2017-12-15.

Conditions:
Gastric cancer. Also called: Stomach cancer; Malignant tumor of stomach. Identifiers: MedGen C0024623, MeSH D013274, MONDO:0001056, OMIM 613659, HP:0012126.
Hereditary cancer-predisposing syndrome. Also called: Hereditary Cancer Syndrome; Neoplastic Syndromes, Hereditary; Hereditary neoplastic syndrome; Tumor predisposition. Identifiers: Orphanet 140162, MedGen C0027672, MeSH D009386, MONDO:0015356.
Hereditary breast ovarian cancer syndrome. Also called: Hereditary breast and ovarian cancer syndrome; Breast and ovarian cancer; BRCA1- and BRCA2-Associated Hereditary Breast and Ovarian Cancer; Hereditary breast and/or ovarian cancer syndrome; Hereditary breast and ovarian cancer; Hereditary breast and ovarian cancer syndrome (HBOC). Identifiers: Orphanet 145, MedGen C0677776, MeSH D061325, MONDO:0003582. Disease mechanism: loss of function.
Breast-ovarian cancer, familial, susceptibility to, 2 (BROVCA2). Also called: BRCA2 Hereditary Breast and Ovarian Cancer. Identifiers: Orphanet 145, MedGen C2675520, MONDO:0012933, OMIM 612555. Disease mechanism: loss of function.
Familial cancer of breast. Also called: hereditary breast carcinoma; Hereditary breast cancer; BREAST CANCER, FAMILIAL. Identifiers: Orphanet 227535, MedGen C0346153, MONDO:0016419, OMIM 114480. Disease mechanism: loss of function.

Submissions (5):

Evidence-based Network for the Interpretation of Germline Mutant Alleles (ENIGMA)
Classification: Pathogenic for Breast-ovarian cancer, familial, susceptibility to, 2. Last evaluated: 2017-12-15. Review status: reviewed by expert panel. Criteria: ENIGMA BRCA1/2 Classification Criteria (2017-06-29). Collection method: curation. Allele origin: germline. Study: ENIGMA.
Comment: Variant allele predicted to encode a truncated non-functional protein.

Ambry Genetics
Classification: Pathogenic for Hereditary cancer-predisposing syndrome. Last evaluated: 2021-06-25. Review status: criteria provided, single submitter. Criteria: Ambry Variant Classification Scheme 2023. Collection method: clinical testing. Allele origin: germline. Not counted in ClinVar's aggregate classification.
Comment: The p.S1099* pathogenic mutation (also known as c.3296C>G), located in coding exon 10 of the BRCA2 gene, results from a C to G substitution at nucleotide position 3296. This changes the amino acid from a serine to a stop codon within coding exon 10. This alteration is expected to result in loss of function by premature protein truncation or nonsense-mediated mRNA decay. As such, this alteration is interpreted as a disease-causing mutation.

Women's Health and Genetics/Laboratory Corporation of America, LabCorp
Classification: Pathogenic for Hereditary breast and ovarian cancer syndrome. Last evaluated: 2018-06-28. Review status: criteria provided, single submitter. Criteria: LabCorp Variant Classification Summary - May 2015. Collection method: clinical testing. Allele origin: germline. Not counted in ClinVar's aggregate classification.
Comment: Variant summary: BRCA2 c.3296C>G (p.Ser1099X) results in a premature termination codon, predicted to cause a truncation of the encoded protein or absence of the protein due to nonsense mediated decay, which are commonly known mechanisms for disease. Truncations downstream of this position have been classified as pathogenic by our laboratory (eg. c.3455T>G/p.Leu1152X). The variant was absent in 225178 control chromosomes. c.3296C>G has been reported in the literature in at-least one individual affected with Hereditary Breast and Ovarian Cancer. To our knowledge, no experimental evidence demonstrating an impact on protein function has been reported. No clinical diagnostic laboratories have submitted clinical-significance assessments for this variant to ClinVar after 2014. Multiple databases list variant as pathogenic. Based on the evidence outlined above, the variant was classified as pathogenic.

Laboratory for Genotyping Development, RIKEN
Classification: Pathogenic for Gastric cancer. Last evaluated: 2021-07-01. Review status: no assertion criteria provided. Collection method: research. Allele origin: germline. Not counted in ClinVar's aggregate classification.

ClinVar Staff, National Center for Biotechnology Information (NCBI)
No classification provided. Condition: Familial cancer of breast. Review status: no classification provided. Collection method: literature only. Allele origin: germline. Affected: yes. Not counted in ClinVar's aggregate classification.

Literature cited by the submitters: PubMed 11793480 (cited by Women's Health and Genetics/Laboratory Corporation of America, LabCorp and ClinVar Staff, National Center for Biotechnology Information (NCBI)); PubMed 36988593 (cited by Laboratory for Genotyping Development, RIKEN).